The following is an entry in ClinVar:

NM_000128.4(F11):c.1457_1463del (p.Leu486fs)

Gene: F11 (coagulation factor XI; plus strand). Cytogenetic location: 4q35.2.
Variant type: Deletion.
Coding change: c.1457_1463del on transcript NM_000128.4 (MANE Select); coding-DNA positions 1457 to 1463, 7 bases deleted (TGGAAAC; older notation c.1457_1463delTGGAAAC).
Protein change: p.Leu486fs; shifts the reading frame from leucine 486.
Molecular consequence: frameshift variant.
Genome position (GRCh38, 1-based): chr4:186,285,790-186,285,796, TGGAAAC deleted; deleting any 7 consecutive bases within chr4:186,285,785-186,285,796 gives the same sequence; the c. name uses the placement nearest the transcript's 3' end. VCF-style (leftmost placement, unchanged base first): chr4-186285784-TGAAACTG-T. GRCh37 (hg19) VCF-style: chr4-187206938-TGAAACTG-T.
Other names: c.1409_1415del, p.Leu470fs (NM_001440590.1, NM_001440596.1); c.1457_1463del, p.Leu486fs (NM_001440593.1); c.1187_1193del, p.Leu396fs (NM_001440605.1, NM_001440607.1); c.1139_1145del, p.Leu380fs (NM_001440606.1, NM_001440608.1); short protein forms L380fs, L396fs, L470fs, L486fs.
Identifiers: ClinVar variation 5016236 (VCV005016236.1).

ClinVar aggregate classification (germline): Pathogenic (1 of 4 stars; one submission).

Conditions:
Hereditary factor XI deficiency disease. Also called: PLASMA THROMBOPLASTIN ANTECEDENT DEFICIENCY; PTA DEFICIENCY; ROSENTHAL SYNDROME; Congenital factor XI deficiency. Identifiers: Orphanet 329, MedGen C0015523, MeSH D005173, MONDO:0012897, OMIM 612416.

Submission:

Myriad Genetics, Inc.
Classification: Pathogenic for Hereditary factor XI deficiency disease. Last evaluated: 2026-08-15. Review status: criteria provided, single submitter. Criteria: Myriad Autosomal Dominant, Autosomal Recessive and X-Linked Classification Criteria (2023). Collection method: clinical testing. Allele origin: unknown.
Comment: NM_000128.3(F11):c.1457_1463del7(L486Pfs*3) is expected to be pathogenic in the context of factor XI deficiency. This variant is predicted to lead to an abnormal or absent protein product due to the creation of a premature termination codon in F11, a gene where loss-of-function variants are known to be pathogenic. Please note: this variant was assessed in the context of healthy population screening.